The following is an entry in ClinVar:

ClinVar aggregate classification (germline): Uncertain significance (1 of 4 stars; one submission).

Conditions:
Familial thoracic aortic aneurysm and aortic dissection (TAAD). Also called: Thoracic aortic aneurysms and dissections. Identifiers: Orphanet 91387, MedGen C4707243, MONDO:0019625.

Submission:

Ambry Genetics
Classification: Uncertain significance for Familial thoracic aortic aneurysm and aortic dissection. Last evaluated: 2025-07-28. Review status: criteria provided, single submitter. Criteria: Ambry Variant Classification Scheme 2023. Collection method: clinical testing. Allele origin: germline.
Comment: The p.S1791F variant (also known as c.5372C>T), located in coding exon 28 of the NOTCH1 gene, results from a C to T substitution at nucleotide position 5372. The serine at codon 1791 is replaced by phenylalanine, an amino acid with highly dissimilar properties. This amino acid position is conserved. In addition, this alteration is predicted to be deleterious by in silico analysis. Based on the available evidence, the clinical significance of this variant remains unclear.

NM_017617.5(NOTCH1):c.5372C>T (p.Ser1791Phe)

Gene: NOTCH1 (notch receptor 1; minus strand). Cytogenetic location: 9q34.3.
Variant type: single nucleotide variant.
Coding change: c.5372C>T on transcript NM_017617.5 (MANE Select); coding-DNA position 5372, C replaced by T.
Protein change: p.Ser1791Phe; replaces serine 1791 with phenylalanine.
Molecular consequence: missense variant.
Genome position (GRCh38, 1-based): chr9:136,502,284, G>A on the plus strand (C>T on the coding strand, the complement: NOTCH1 is on the minus strand). VCF-style: chr9-136502284-G-A. GRCh37 (hg19) VCF-style: chr9-139396736-G-A.
Other names: short protein forms S1791F.
Identifiers: ClinVar variation 4121657 (VCV004121657.1).